The following is an entry in ClinVar:

NM_153717.3(EVC):c.583del (p.Arg194_Val195insTer)

Gene: EVC (EvC ciliary complex subunit 1; plus strand). Cytogenetic location: 4p16.2.
Variant type: Deletion.
Coding change: c.583del on transcript NM_153717.3 (MANE Select); coding-DNA position 583, one base deleted (G; older notation c.583delG).
Protein change: p.Arg194_Val195insTer.
Molecular consequence: nonsense.
Genome position (GRCh38, 1-based): chr4:5,731,623, G deleted; the last of 3 consecutive G bases (chr4:5,731,621-5,731,623); deleting any one gives the same sequence. VCF-style (leftmost placement, unchanged base first): chr4-5731620-CG-C. GRCh37 (hg19) VCF-style: chr4-5733347-CG-C.
Other names: c.583del, p.Arg194_Val195insTer (NM_001306090.2, NM_001306092.2).
Identifiers: ClinVar variation 1396608 (VCV001396608.7), dbSNP rs2151935987, ClinGen allele CA2573138334.

ClinVar aggregate classification (germline): Pathogenic (1 of 4 stars; one submission).

Conditions:
Curry-Hall syndrome (WAD). Also called: WEYERS ACRODENTAL DYSOSTOSIS. Identifiers: Orphanet 952, MedGen C0457013, MONDO:0008673, OMIM 193530.
Ellis-van Creveld syndrome (EVC). Also called: EVC-Related Ellis-van Creveld Syndrome; EVC2-Related Ellis-van Creveld Syndrome; Chondroectodermal dysplasia; MESOECTODERMAL DYSPLASIA. Identifiers: Orphanet 289, MedGen C0013903, MONDO:0009162, OMIM 225500.

Submission:

Labcorp Genetics (formerly Invitae), Labcorp
Classification: Pathogenic for Curry-Hall syndrome; Ellis-van Creveld syndrome. Last evaluated: 2021-08-02. Review status: criteria provided, single submitter. Criteria: Invitae Variant Classification Sherloc (09022015). Collection method: clinical testing. Allele origin: germline.
Comment: For these reasons, this variant has been classified as Pathogenic. Algorithms developed to predict the effect of sequence changes on RNA splicing suggest that this variant may create or strengthen a splice site. This variant has not been reported in the literature in individuals affected with EVC-related conditions. This variant is not present in population databases (ExAC no frequency). This sequence change creates a premature translational stop signal (p.Val195*) in the EVC gene. It is expected to result in an absent or disrupted protein product. Loss-of-function variants in EVC are known to be pathogenic (PMID: 23220543).

Literature cited by the submitters: PubMed 23220543.